The following is an entry in ClinVar:

NM_001379291.1(BRD4):c.2708C>G (p.Pro903Arg)

Gene: BRD4 (bromodomain containing 4; minus strand). Cytogenetic location: 19p13.12.
Variant type: single nucleotide variant.
Coding change: c.2708C>G on transcript NM_001379291.1 (MANE Select); coding-DNA position 2708, C replaced by G.
Protein change: p.Pro903Arg; replaces proline 903 with arginine.
Molecular consequence: missense variant.
Genome position (GRCh38, 1-based): chr19:15,243,361, G>C on the plus strand (C>G on the coding strand, the complement: BRD4 is on the minus strand). VCF-style: chr19-15243361-G-C. GRCh37 (hg19) VCF-style: chr19-15354172-G-C.
Other names: c.2708C>G, p.Pro903Arg (NM_058243.3); short protein forms P903R.
Identifiers: ClinVar variation 2731778 (VCV002731778.3), dbSNP rs757519725, ClinGen allele CA9264887.

ClinVar aggregate classification (germline): Uncertain significance (1 of 4 stars; one submission).

Allele frequency attached by ClinVar (database versions not stated): gnomAD exomes 0.00005; ExAC 0.00002.

Submission:

Labcorp Genetics (formerly Invitae), Labcorp
Classification: Uncertain significance. Last evaluated: 2025-04-10. Review status: criteria provided, single submitter. Criteria: Invitae Variant Classification Sherloc (09022015). Collection method: clinical testing. Allele origin: germline.
Comment: This sequence change replaces proline, which is neutral and non-polar, with arginine, which is basic and polar, at codon 903 of the BRD4 protein (p.Pro903Arg). This variant is present in population databases (rs757519725, gnomAD 0.007%). This variant has not been reported in the literature in individuals affected with BRD4-related conditions. ClinVar contains an entry for this variant (Variation ID: 2731778). An algorithm developed to predict the effect of missense changes on protein structure and function (PolyPhen-2) suggests that this variant is likely to be disruptive. In summary, the available evidence is currently insufficient to determine the role of this variant in disease. Therefore, it has been classified as a Variant of Uncertain Significance.